The following is an entry in ClinVar:

ClinVar aggregate classification (germline): Uncertain significance (1 of 4 stars; one submission).

Conditions:
Renal cell carcinoma. Identifiers: Orphanet 217071, MedGen C0007134, MeSH D002292, MONDO:0005086, HP:0005584.

Submission:

Labcorp Genetics (formerly Invitae), Labcorp
Classification: Uncertain significance for Renal cell carcinoma. Last evaluated: 2025-02-17. Review status: criteria provided, single submitter. Criteria: Invitae Variant Classification Sherloc (09022015). Collection method: clinical testing. Allele origin: germline.
Comment: This sequence change replaces serine, which is neutral and polar, with tyrosine, which is neutral and polar, at codon 812 of the MET protein (p.Ser812Tyr). This variant is not present in population databases (gnomAD no frequency). This variant has not been reported in the literature in individuals affected with MET-related conditions. ClinVar contains an entry for this variant (Variation ID: 1399050). Invitae Evidence Modeling of protein sequence and biophysical properties (such as structural, functional, and spatial information, amino acid conservation, physicochemical variation, residue mobility, and thermodynamic stability) indicates that this missense variant is not expected to disrupt MET protein function with a negative predictive value of 80%. In summary, the available evidence is currently insufficient to determine the role of this variant in disease. Therefore, it has been classified as a Variant of Uncertain Significance.

NM_000245.4(MET):c.2381C>A (p.Ser794Tyr)

Gene: MET (MET proto-oncogene, receptor tyrosine kinase; plus strand). Cytogenetic location: 7q31.2.
Variant type: single nucleotide variant.
Coding change: c.2381C>A on transcript NM_000245.4 (MANE Select); coding-DNA position 2381, C replaced by A.
Protein change: p.Ser794Tyr; replaces serine 794 with tyrosine.
Molecular consequence: missense variant.
Genome position (GRCh38, 1-based): chr7:116,763,066, C>A. VCF-style: chr7-116763066-C-A. GRCh37 (hg19) VCF-style: chr7-116403120-C-A.
Other names: c.2435C>A, p.Ser812Tyr (NM_001127500.3); c.2381C>A, p.Ser794Tyr (NM_001324401.3); c.1091C>A, p.Ser364Tyr (NM_001324402.2); short protein forms S812Y, S364Y, S794Y.
Identifiers: ClinVar variation 1399050 (VCV001399050.8), dbSNP rs371939364, ClinGen allele CA368982870.
Genomic context (GRCh38, chr7:116,763,066, plus strand): 5'-CAAGCTGTATTCTGTTTACAGTGGATAATTGTGTCTTTCTCTAGGCATGTCAACATCGCT[C>A]TAATTCAGAGATAATCTGTTGTACCACTCCTTCCCTGCAACAGCTGAATCTGCAACTCCC-3'
Protein context (NP_000236.2, residues 784-804): RNFTVACQHR[Ser794Tyr]NSEIICCTTP